The following is an entry in ClinVar:

ClinVar aggregate classification (germline): Uncertain significance (1 of 4 stars; one submission).

Conditions:
Schimke immuno-osseous dysplasia (SIOD). Also called: Schimke Immunoosseous Dysplasia. Identifiers: Orphanet 1830, MedGen C0877024, MONDO:0009458, OMIM 242900.

Submission:

Labcorp Genetics (formerly Invitae), Labcorp
Classification: Uncertain significance for Schimke immuno-osseous dysplasia. Last evaluated: 2021-12-24. Review status: criteria provided, single submitter. Criteria: Invitae Variant Classification Sherloc (09022015). Collection method: clinical testing. Allele origin: germline.
Comment: This sequence change replaces isoleucine, which is neutral and non-polar, with valine, which is neutral and non-polar, at codon 784 of the SMARCAL1 protein (p.Ile784Val). This variant is not present in population databases (gnomAD no frequency). This variant has not been reported in the literature in individuals affected with SMARCAL1-related conditions. Algorithms developed to predict the effect of missense changes on protein structure and function (SIFT, PolyPhen-2, Align-GVGD) all suggest that this variant is likely to be tolerated. In summary, the available evidence is currently insufficient to determine the role of this variant in disease. Therefore, it has been classified as a Variant of Uncertain Significance.

NM_014140.4(SMARCAL1):c.2350A>G (p.Ile784Val)

Gene: SMARCAL1 (SNF2 related chromatin remodeling annealing helicase 1; plus strand). Cytogenetic location: 2q35.
Variant type: single nucleotide variant.
Coding change: c.2350A>G on transcript NM_014140.4 (MANE Select); coding-DNA position 2350, A replaced by G.
Protein change: p.Ile784Val; replaces isoleucine 784 with valine.
Molecular consequence: missense variant.
Genome position (GRCh38, 1-based): chr2:216,475,374, A>G. VCF-style: chr2-216475374-A-G. GRCh37 (hg19) VCF-style: chr2-217340097-A-G.
Other names: c.2350A>G, p.Ile784Val (NM_001127207.2); short protein forms I784V.
Identifiers: ClinVar variation 1955629 (VCV001955629.2), dbSNP rs2469047652, ClinGen allele CA350504221.